The following is an entry in ClinVar:

ClinVar aggregate classification (germline): Conflicting classifications of pathogenicity. Review status: criteria provided, conflicting classifications (1 of 4 stars). 2 submissions from 2 submitters: Uncertain significance (1); Likely benign (1). Last evaluated 2022-06-01.

Allele frequency attached by ClinVar (database versions not stated): ExAC 0.00029; gnomAD 0.00071; 1000 Genomes Project 30x 0.00078; TOPMed 0.00088; ESP Exome Variant Server 0.00100.
gnomAD v4.1: 439 of 1,614,124 alleles (0.027%); highest among the groups gnomAD compares: African/African-American, 0.24%; 1 homozygote.

Submissions (2):

CeGaT Center for Human Genetics Tuebingen
Classification: Likely benign. Last evaluated: 2022-06-01. Review status: criteria provided, single submitter. Criteria: CeGaT Center For Human Genetics Tuebingen Variant Classification Criteria Version 2. Collection method: clinical testing. Allele origin: germline. Affected: yes. Observed: 1 variant allele.
Comment: CASP2: BP4

Ambry Genetics
Classification: Uncertain significance. Last evaluated: 2021-08-04. Review status: criteria provided, single submitter. Criteria: Ambry Variant Classification Scheme 2023. Collection method: clinical testing. Allele origin: germline.

NM_032982.4(CASP2):c.793C>G (p.Arg265Gly)

Gene: CASP2 (caspase 2; plus strand). Cytogenetic location: 7q34.
Variant type: single nucleotide variant.
Coding change: c.793C>G on transcript NM_032982.4 (MANE Select); coding-DNA position 793, C replaced by G.
Protein change: p.Arg265Gly; replaces arginine 265 with glycine.
Molecular consequence: missense variant. On other transcripts: 3 prime UTR variant (1).
Genome position (GRCh38, 1-based): chr7:143,299,968, C>G. VCF-style: chr7-143299968-C-G. GRCh37 (hg19) VCF-style: chr7-142997061-C-G.
Other names: c.700C>G, p.Arg234Gly (NM_001224.5); c.*248C>G (NM_032983.4); c.793C>G (NM_032982.3); short protein forms R234G, R265G.
Identifiers: ClinVar variation 2658111 (VCV002658111.25), dbSNP rs150852779, ClinGen allele CA4536560.
Genomic context (GRCh38, chr7:143,299,968, plus strand): 5'-ATTCCTTTCTTTTAGGAAATGCAAGAGAAACTGCAGAATTTTGCACAGTTACCTGCACAC[C>G]GAGTCACGGACTCCTGCATCGTGGCACTCCTCTCGCATGGTGTGGAGGGCGCCATCTATG-3'
Protein context (NP_116764.2, residues 255-275): LQNFAQLPAH[Arg265Gly]VTDSCIVALL